The following is an entry in ClinVar:

NM_000041.4(APOE):c.709G>A (p.Glu237Lys)

Gene: APOE (apolipoprotein E; plus strand). Cytogenetic location: 19q13.32.
Variant type: single nucleotide variant.
Coding change: c.709G>A on transcript NM_000041.4 (MANE Select); coding-DNA position 709, G replaced by A.
Protein change: p.Glu237Lys; replaces glutamic acid 237 with lysine.
Molecular consequence: missense variant.
Genome position (GRCh38, 1-based): chr19:44,909,005, G>A. VCF-style: chr19-44909005-G-A. GRCh37 (hg19) VCF-style: chr19-45412262-G-A.
Other names: c.787G>A, p.Glu263Lys (NM_001302688.2); c.709G>A, p.Glu237Lys (NM_001302689.2, NM_001302690.2, NM_001302691.2); short protein forms E263K, E237K.
Identifiers: ClinVar variation 1757142 (VCV001757142.2), dbSNP rs1335550286, ClinGen allele CA406304791.

ClinVar aggregate classification (germline): Uncertain significance (1 of 4 stars; one submission).

Conditions:
Cardiovascular phenotype. Identifiers: MedGen CN230736.

Allele frequency attached by ClinVar (database versions not stated): gnomAD 0.00001; TOPMed 0.00001.

Submission:

Ambry Genetics
Classification: Uncertain significance for Cardiovascular phenotype. Last evaluated: 2021-11-28. Review status: criteria provided, single submitter. Criteria: Ambry Variant Classification Scheme 2023. Collection method: clinical testing. Allele origin: germline.
Comment: The p.E237K variant (also known as c.709G>A), located in coding exon 3 of the APOE gene, results from a G to A substitution at nucleotide position 709. The glutamic acid at codon 237 is replaced by lysine, an amino acid with similar properties. This amino acid position is conserved. In addition, this alteration is predicted to be tolerated by in silico analysis. Since supporting evidence is limited at this time, the clinical significance of this alteration remains unclear.